The following is an entry in ClinVar:

ClinVar aggregate classification (germline): Likely pathogenic (1 of 4 stars; one submission).

Submission:

Labcorp Genetics (formerly Invitae), Labcorp
Classification: Likely pathogenic. Last evaluated: 2022-02-10. Review status: criteria provided, single submitter. Criteria: Invitae Variant Classification Sherloc (09022015). Collection method: clinical testing. Allele origin: germline.
Comment: In summary, the currently available evidence indicates that the variant is pathogenic, but additional data are needed to prove that conclusively. Therefore, this variant has been classified as Likely Pathogenic. Algorithms developed to predict the effect of sequence changes on RNA splicing suggest that this variant may disrupt the consensus splice site. This variant has not been reported in the literature in individuals affected with ADGRG1-related conditions. This variant is not present in population databases (gnomAD no frequency). This sequence change affects a donor splice site in intron 8 of the ADGRG1 gene. It is expected to disrupt RNA splicing. Variants that disrupt the donor or acceptor splice site typically lead to a loss of protein function (PMID: 16199547), and loss-of-function variants in ADGRG1 are known to be pathogenic (PMID: 15044805, 20929962).

Literature cited by the submitters: PubMed 16199547; PubMed 15044805; PubMed 20929962.

NM_201525.4(ADGRG1):c.1017+2T>A

Gene: ADGRG1 (adhesion G protein-coupled receptor G1; plus strand). Cytogenetic location: 16q21.
Variant type: single nucleotide variant.
Coding change: c.1017+2T>A on transcript NM_201525.4 (MANE Select); the canonical splice donor site of the intron after coding-DNA position 1017, T replaced by A.
Molecular consequence: splice donor variant.
Genome position (GRCh38, 1-based): chr16:57,655,994, T>A. VCF-style: chr16-57655994-T-A. GRCh37 (hg19) VCF-style: chr16-57689906-T-A.
Other names: c.1017+2T>A (NM_001370440.1, NM_001370428.1, NM_001370436.1 and 16 more transcripts); c.507+2T>A (NM_001290142.2); c.492+2T>A (NM_001370451.1, NM_001290143.2, NM_001370453.1 and 2 more transcripts); c.861+2T>A (NM_001370442.1); c.1032+2T>A (NM_001370433.1, NM_001145773.3).
Identifiers: ClinVar variation 1953765 (VCV001953765.5), dbSNP rs2545341467, ClinGen allele CA396048416.
Genomic context (GRCh38, chr16:57,655,994, plus strand): 5'-CCAAAGTAGCCAACCTCACGGAGCCCGTGGTGCTCACTTTCCAGCACCAGCTACAGCCGG[T>A]GAGTGGGGGCCAGCCATCAAGAGAACAAGCGCCCCTCGGCCATGTCACCCTTTCCTCTCC-3'